The following is an entry in ClinVar:

NM_006734.4(HIVEP2):c.1418A>T (p.Asp473Val)

Gene: HIVEP2 (HIVEP zinc finger 2; minus strand). Cytogenetic location: 6q24.2.
Variant type: single nucleotide variant.
Coding change: c.1418A>T on transcript NM_006734.4 (MANE Select); coding-DNA position 1418, A replaced by T.
Protein change: p.Asp473Val; replaces aspartic acid 473 with valine.
Molecular consequence: missense variant.
Genome position (GRCh38, 1-based): chr6:142,773,321, T>A on the plus strand (A>T on the coding strand, the complement: HIVEP2 is on the minus strand). VCF-style: chr6-142773321-T-A. GRCh37 (hg19) VCF-style: chr6-143094458-T-A.
Other names: short protein forms D473V.
Identifiers: ClinVar variation 1299676 (VCV001299676.1), dbSNP rs2114660781, ClinGen allele CA365913833.

ClinVar aggregate classification (germline): Uncertain significance (1 of 4 stars; one submission).

Conditions:
Intellectual developmental disorder, autosomal dominant 43. Also called: Intellectual disability, autosomal dominant 43. Identifiers: MedGen C4707429, MONDO:0014858, OMIM 616977.

Submission:

Breda Genetics srl
Classification: Uncertain significance for Intellectual developmental disorder, autosomal dominant 43. Last evaluated: 2021-07-20. Review status: criteria provided, single submitter. Criteria: ACMG Guidelines, 2015. Collection method: clinical testing. Allele origin: germline. Inheritance: Autosomal dominant inheritance. Affected: yes. Observed: 1 variant allele, 1 heterozygote.
Comment: Based on allele frequency, in-silico prediction scores and a certain overlap with the clinical phenotype, we interpreted this variant at least as of uncertain significance. The lack of one or more of the following features has discouraged further investigations: lack of a possible second hit in autosomal recessive conditions, presence of healthy controls in databases for autosomal dominant conditions, presence of unmatching cardinal clinical features in the patient or in the known gene-disease association, and/or variant type outside the known gene mutational spectrum.